The following is an entry in ClinVar:

ClinVar aggregate classification (germline): Likely benign. Review status: criteria provided, multiple submitters, no conflicts (2 of 4 stars). 2 submissions from 2 submitters: Likely benign (2). Last evaluated 2025-10-01.

gnomAD v4.1: 29 of 1,561,732 alleles (0.0019%); highest among the groups gnomAD compares: Non-Finnish European, 0.0025%; no homozygotes.

Submissions (2):

CeGaT Center for Human Genetics Tuebingen
Classification: Likely benign. Last evaluated: 2025-10-01. Review status: criteria provided, single submitter. Criteria: CeGaT Center For Human Genetics Tuebingen Variant Classification Criteria Version 2. Collection method: clinical testing. Allele origin: germline. Affected: yes. Observed: 1 variant allele.
Comment: MAGEL2: BP4, BP7

Labcorp Genetics (formerly Invitae), Labcorp
Classification: Likely benign. Last evaluated: 2023-04-09. Review status: criteria provided, single submitter. Criteria: Invitae Variant Classification Sherloc (09022015). Collection method: clinical testing. Allele origin: germline.

NM_019066.5(MAGEL2):c.2028G>A (p.Glu676=)

Gene: MAGEL2 (MAGE family member L2; minus strand). Cytogenetic location: 15q11.2.
Variant type: single nucleotide variant.
Coding change: c.2028G>A on transcript NM_019066.5 (MANE Select); coding-DNA position 2028, G replaced by A.
Protein change: p.Glu676=; no amino-acid change (glutamic acid 676 retained).
Molecular consequence: synonymous variant.
Genome position (GRCh38, 1-based): chr15:23,645,715, C>T on the plus strand (G>A on the coding strand, the complement: MAGEL2 is on the minus strand). VCF-style: chr15-23645715-C-T. GRCh37 (hg19) VCF-style: chr15-23890862-C-T.
Identifiers: ClinVar variation 2978205 (VCV002978205.9), dbSNP rs369695361, ClinGen allele CA267659599.